The following is an entry in ClinVar:

ClinVar aggregate classification (germline): Pathogenic (1 of 4 stars; one submission).

Conditions:
Peroxisome biogenesis disorder 5A (Zellweger) (PBD5A). Identifiers: Orphanet 912, MedGen C3553940, MONDO:0013932, OMIM 614866.

Submission:

Labcorp Genetics (formerly Invitae), Labcorp
Classification: Pathogenic for Peroxisome biogenesis disorder 5A (Zellweger). Last evaluated: 2023-07-12. Review status: criteria provided, single submitter. Criteria: Invitae Variant Classification Sherloc (09022015). Collection method: clinical testing. Allele origin: germline.
Comment: This sequence change creates a premature translational stop signal (p.Tyr95*) in the PEX2 gene. While this is not anticipated to result in nonsense mediated decay, it is expected to disrupt the last 211 amino acid(s) of the PEX2 protein. This variant is not present in population databases (gnomAD no frequency). This variant has not been reported in the literature in individuals affected with PEX2-related conditions. This variant disrupts a region of the PEX2 protein in which other variant(s) (p.Leu207Serfs*10) have been determined to be pathogenic (Invitae). This suggests that this is a clinically significant region of the protein, and that variants that disrupt it are likely to be disease-causing. For these reasons, this variant has been classified as Pathogenic.

NM_000318.3(PEX2):c.285T>G (p.Tyr95Ter)

Gene: PEX2 (peroxisomal biogenesis factor 2; minus strand). Cytogenetic location: 8q21.13.
Variant type: single nucleotide variant.
Coding change: c.285T>G on transcript NM_000318.3 (MANE Select); coding-DNA position 285, T replaced by G.
Protein change: p.Tyr95Ter; replaces tyrosine 95 with a stop codon.
Molecular consequence: nonsense.
Genome position (GRCh38, 1-based): chr8:76,983,894, A>C on the plus strand (T>G on the coding strand, the complement: PEX2 is on the minus strand). VCF-style: chr8-76983894-A-C. GRCh37 (hg19) VCF-style: chr8-77896130-A-C.
Other names: c.285T>G, p.Tyr95Ter (NM_001079867.2, NM_001172086.2, NM_001172087.2); short protein forms Y95*.
Identifiers: ClinVar variation 2862292 (VCV002862292.3), dbSNP rs202204148, ClinGen allele CA371557684.